The following is an entry in ClinVar:

ClinVar aggregate classification (germline): Pathogenic (0 of 4 stars; one submission).
ClinVar aggregate classification (somatic clinical impact): Tier II - Potential (1 of 4 stars; one submission).

Conditions:
Malignant tumor of urinary bladder. Also called: Urinary bladder cancer; Bladder cancer; Urinary Bladder Neoplasms. Identifiers: MedGen C0005684, MONDO:0001187, OMIM 109800.
Medulloblastoma SHH activated. Identifiers: MedGen C4330671, MONDO:0850197.

Submissions (2):

Institute for Genomic Medicine (IGM) Clinical Laboratory, Nationwide Children's Hospital
Classification: Tier II - Potential for Medulloblastoma SHH activated. Assertion type: diagnostic. Clinical significance: supports diagnosis. Last evaluated: 2025-10-14. Review status: criteria provided, single submitter. Criteria: AMP/ASCO/CAP Guidelines, 2017. Collection method: clinical testing. Allele origin: somatic. Affected: yes.
Comment: Variant has Tier II (potential) clinical significance as a diagnostic inclusion criterion in medulloblastoma SHH activated, based on the following evidence: 1) Documented in one or more cancer databases (e.g., St. Jude Pecan, COSMIC, CIViC, OncoKB). 2) Information in the literature supports potential biologic effect of variant. 3) Diagnostic significance based on multiple small studies (Evidence Level C; PMIDs: 28726821, 33741928, 24651015, 23208470, 33172502, 22009941, 21163964).

Laboratory of Urology, Hospital Clinic de Barcelona
Classification: Pathogenic for Malignant tumor of urinary bladder. Review status: no assertion criteria provided. Collection method: research. Allele origin: somatic. Affected: yes.

Literature cited by the submitters: PubMed 28726821 (cited by Institute for Genomic Medicine (IGM) Clinical Laboratory, Nationwide Children's Hospital); PubMed 33741928 (cited by Institute for Genomic Medicine (IGM) Clinical Laboratory, Nationwide Children's Hospital); PubMed 24651015 (cited by Institute for Genomic Medicine (IGM) Clinical Laboratory, Nationwide Children's Hospital); PubMed 23208470 (cited by Institute for Genomic Medicine (IGM) Clinical Laboratory, Nationwide Children's Hospital); PubMed 33172502 (cited by Institute for Genomic Medicine (IGM) Clinical Laboratory, Nationwide Children's Hospital); PubMed 22009941 (cited by Institute for Genomic Medicine (IGM) Clinical Laboratory, Nationwide Children's Hospital); PubMed 21163964 (cited by Institute for Genomic Medicine (IGM) Clinical Laboratory, Nationwide Children's Hospital).

NM_006015.6(ARID1A):c.4891C>T (p.Gln1631Ter)

Gene: ARID1A (AT-rich interaction domain 1A; plus strand). Cytogenetic location: 1p36.11.
Variant type: single nucleotide variant.
Coding change: c.4891C>T on transcript NM_006015.6 (MANE Select); coding-DNA position 4891, C replaced by T.
Protein change: p.Gln1631Ter; replaces glutamine 1631 with a stop codon.
Molecular consequence: nonsense.
Genome position (GRCh38, 1-based): chr1:26,775,118, C>T. VCF-style: chr1-26775118-C-T. GRCh37 (hg19) VCF-style: chr1-27101609-C-T.
Other names: c.4240C>T, p.Gln1414Ter (NM_139135.4); short protein forms Q1414*, Q1631*.
Identifiers: ClinVar variation 2582271 (VCV002582271.2), dbSNP rs2124123417, ClinGen allele CA339179089.